The following is an entry in ClinVar:

NM_007294.4(BRCA1):c.134+1G>A

Gene: BRCA1 (BRCA1 DNA repair associated; minus strand). Cytogenetic location: 17q21.31.
Variant type: single nucleotide variant.
Coding change: c.134+1G>A on transcript NM_007294.4 (MANE Select); the canonical splice donor site of the intron after coding-DNA position 134, G replaced by A.
Molecular consequence: splice donor variant. On other transcripts: intron variant (42).
Genome position (GRCh38, 1-based): chr17:43,115,725, C>T on the plus strand (G>A on the coding strand, the complement: BRCA1 is on the minus strand). VCF-style: chr17-43115725-C-T. GRCh37 (hg19) VCF-style: chr17-41267742-C-T.
Other names: c.-55+1G>A (NM_001407950.1, NM_001407948.1, NM_001408484.1 and 52 more transcripts); c.134+1G>A (NM_001408450.1, NM_001408434.1, NM_001407672.1 and 191 more transcripts); c.-124+1G>A (NM_001407694.1, NM_001407696.1, NM_001407727.1 and 13 more transcripts); c.-128+1G>A (NM_001408465.1, NM_001407695.1); c.-8+1G>A (NM_001407920.1, NM_001408504.1, NM_001408463.1 and 47 more transcripts); c.-8+5833G>A (NM_001407751.1, NM_001407726.1); c.-171+1G>A (NM_001407900.1, NM_001408492.1, NM_001407889.1); c.-8+5G>A (NM_001407841.1); and 10 more.
Identifiers: ClinVar variation 267499 (VCV000267499.15), dbSNP rs80358043, ClinGen allele CA10601889.

ClinVar aggregate classification (germline): Pathogenic. Review status: criteria provided, multiple submitters, no conflicts (2 of 4 stars). 4 submissions from 4 submitters: Pathogenic (4). Last evaluated 2025-02-01.

Conditions:
Hereditary breast ovarian cancer syndrome. Also called: Hereditary breast and ovarian cancer syndrome (HBOC); Breast and ovarian cancer; Hereditary breast and ovarian cancer syndrome; Hereditary breast and ovarian cancer; BRCA1- and BRCA2-Associated Hereditary Breast and Ovarian Cancer; Hereditary breast and/or ovarian cancer syndrome. Identifiers: Orphanet 145, MedGen C0677776, MeSH D061325, MONDO:0003582. Disease mechanism: loss of function.
Breast-ovarian cancer, familial, susceptibility to, 1 (BROVCA1). Also called: BRCA1 Hereditary Breast and Ovarian Cancer; OVARIAN CANCER, SUSCEPTIBILITY TO. Identifiers: Orphanet 145, MedGen C2676676, MONDO:0011450, OMIM 604370. Disease mechanism: loss of function.
Hereditary cancer-predisposing syndrome. Also called: Hereditary Cancer Syndrome; Neoplastic Syndromes, Hereditary; Hereditary neoplastic syndrome; Tumor predisposition. Identifiers: Orphanet 140162, MedGen C0027672, MeSH D009386, MONDO:0015356.

Submissions (5):

Dasa
Classification: Pathogenic for Breast-ovarian cancer, familial, susceptibility to, 1. Last evaluated: 2025-02-01. Review status: criteria provided, single submitter. Criteria: DASA Assertion Criteria. Collection method: clinical testing. Allele origin: germline.
Comment: NM_007294.4(BRCA1):c.134+1G>A affects a canonical splice site and is predicted to disrupt normal RNA splicing, leading to loss of normal protein function. Loss-of-function is an established mechanism of disease for this gene. Functional evidence supports a deleterious effect on the gene or gene product (PMID: 30209399). This variant has been reported in individuals with Breast-ovarian cancer, familial, susceptibility to, 1 (PMID: 30209399). The variant is present at low frequency in population datasets. Based on the available data, this variant is classified as pathogenic.

Labcorp Genetics (formerly Invitae), Labcorp
Classification: Pathogenic for Hereditary breast ovarian cancer syndrome. Last evaluated: 2023-05-27. Review status: criteria provided, single submitter. Criteria: Invitae Variant Classification Sherloc (09022015). Collection method: clinical testing. Allele origin: germline.
Comment: Disruption of this splice site has been observed in individual(s) with BRCA1-related conditions (PMID: 29446198). This variant is not present in population databases (gnomAD no frequency). This sequence change affects a donor splice site in intron 3 of the BRCA1 gene. RNA analysis indicates that disruption of this splice site induces altered splicing and may result in an absent or disrupted protein product. This variant is also known as IVS3+1G>A. For these reasons, this variant has been classified as Pathogenic. Studies have shown that disruption of this splice site results in skipping of exon 3 and introduces a premature termination codon (PMID: 22505045). The resulting mRNA is expected to undergo nonsense-mediated decay. Experimental studies have shown that disruption of this splice site affects BRCA1 function (PMID: 30209399). Algorithms developed to predict the effect of variants on protein structure and function are not available or were not evaluated for this variant. ClinVar contains an entry for this variant (Variation ID: 267499).

Ambry Genetics
Classification: Pathogenic for Hereditary cancer-predisposing syndrome. Last evaluated: 2022-08-09. Review status: criteria provided, single submitter. Criteria: Ambry Variant Classification Scheme 2023. Collection method: clinical testing. Allele origin: germline.
Comment: The c.134+1G>A intronic pathogenic mutation results from a G to A substitution one nucleotide after coding exon 2 of the BRCA1 gene. Alterations that disrupt the canonical splice site are expected to cause aberrant splicing, resulting in an abnormal protein or a transcript that is subject to nonsense-mediated mRNA decay. This nucleotide position is highly conserved in available vertebrate species. This alteration was identified in a large, worldwide study of BRCA1/2 mutation positive families (Rebbeck TR et al. Hum Mutat, 2018 05;39:593-620). One functional study found that this nucleotide substitution is non-functional in a high-throughput, genome editing, haploid cell survival assay (Findlay GM et al. Nature, 2018 10;562:217-222). In silico splice site analysis predicts that this alteration will weaken the native splice donor site. RNA studies have demonstrated that this alteration results in abnormal splicing in the set of samples tested (Ambry internal data, Houdayer C. et al Hum Mutat. 2012 Aug;33(8):1228-38). Based on the supporting evidence, this alteration is interpreted as a disease-causing mutation.

Consortium of Investigators of Modifiers of BRCA1/2 (CIMBA), c/o University of Cambridge
Classification: Pathogenic for Breast-ovarian cancer, familial, susceptibility to, 1. Last evaluated: 2015-10-02. Review status: criteria provided, single submitter. Criteria: CIMBA Mutation Classification guidelines May 2016. Collection method: clinical testing. Allele origin: germline.

Brotman Baty Institute, University of Washington
No classification provided (evidence only). Condition: Breast-ovarian cancer, familial 1. Review status: no classification provided. Collection method: in vitro. Allele origin: not applicable. Functional consequence: functionally_abnormal. Not counted in ClinVar's aggregate classification.
ClinVar note: "not provided" was previously submitted as the classification for the variant. However, the classification appeared to be based only on an observation of functional data so it was converted to no classification on 2025-07-30.

Literature cited by the submitters: PubMed 30209399 (cited by 3 submitters); PubMed 29446198 (cited by Labcorp Genetics (formerly Invitae), Labcorp and Ambry Genetics); PubMed 22505045 (cited by Labcorp Genetics (formerly Invitae), Labcorp and Ambry Genetics).